The following is an entry in ClinVar:

NM_032119.4(ADGRV1):c.10769+9A>G

Gene: ADGRV1 (adhesion G protein-coupled receptor V1; plus strand). Cytogenetic location: 5q14.3.
Variant type: single nucleotide variant.
Coding change: c.10769+9A>G on transcript NM_032119.4 (MANE Select); 9 bases into the intron after coding-DNA position 10769, A replaced by G.
Molecular consequence: intron variant.
Genome position (GRCh38, 1-based): chr5:90,745,274, A>G. VCF-style: chr5-90745274-A-G. GRCh37 (hg19) VCF-style: chr5-90041091-A-G.
Identifiers: ClinVar variation 46251 (VCV000046251.59), dbSNP rs116184119, ClinGen allele CA137997.

ClinVar aggregate classification (germline): Benign/Likely benign. Review status: criteria provided, multiple submitters, no conflicts (2 of 4 stars). 14 submissions from 14 submitters: Benign (6); Likely benign (4). 4 of the submissions do not count toward it. Last evaluated 2026-09-01.

Conditions:
Usher syndrome type 2C. Also called: Usher syndrome, type 2B; USHER SYNDROME, TYPE IIC. Identifiers: Orphanet 231178, Orphanet 886, MedGen C2931213, MONDO:0011558, OMIM 605472.

Allele frequency attached by ClinVar (database versions not stated): 1000 Genomes Project 0.00280; 1000 Genomes Project 30x 0.00297; gnomAD exomes 0.00803 and 0.00685; gnomAD 0.00631 and 0.00645; ExAC 0.00688; ESP Exome Variant Server 0.00900; TOPMed 0.00597.
gnomAD v4.1: 12,130 of 1,540,212 alleles (0.79%); highest among the groups gnomAD compares: Non-Finnish European, 0.89%; 51 homozygotes.

Submissions (14):

CeGaT Center for Human Genetics Tuebingen
Classification: Likely benign. Last evaluated: 2026-09-01. Review status: criteria provided, single submitter. Criteria: CeGaT Center For Human Genetics Tuebingen Variant Classification Criteria Version 2. Collection method: clinical testing. Allele origin: germline. Affected: yes. Observed: 13 variant alleles.
Comment: ADGRV1: BS2

Labcorp Genetics (formerly Invitae), Labcorp
Classification: Benign. Last evaluated: 2026-02-02. Review status: criteria provided, single submitter. Criteria: Invitae Variant Classification Sherloc (09022015). Collection method: clinical testing. Allele origin: germline.

Blueprint Genetics
Classification: Likely benign. Last evaluated: 2024-11-25. Review status: criteria provided, single submitter. Criteria: ACMG Guidelines, 2015. Collection method: clinical testing. Allele origin: germline.

ARUP Laboratories, Molecular Genetics and Genomics, ARUP Laboratories
Classification: Benign. Last evaluated: 2023-10-09. Review status: criteria provided, single submitter. Criteria: ARUP Molecular Germline Variant Investigation Process 2024. Collection method: clinical testing. Allele origin: germline.

GeneDx
Classification: Benign. Last evaluated: 2018-07-10. Review status: criteria provided, single submitter. Criteria: GeneDx Variant Classification Process June 2021. Collection method: clinical testing. Allele origin: germline. Affected: yes.

Athena Diagnostics
Classification: Benign. Last evaluated: 2018-02-20. Review status: criteria provided, single submitter. Criteria: Athena Diagnostics Criteria. Collection method: clinical testing. Allele origin: germline.

Illumina Laboratory Services, Illumina
Classification: Likely benign for Usher syndrome type 2C. Last evaluated: 2018-01-13. Review status: criteria provided, single submitter. Criteria: ICSL Variant Classification Criteria 13 December 2019. Collection method: clinical testing. Allele origin: germline.
Comment: This variant was observed in the ICSL laboratory as part of a predisposition screen in an ostensibly healthy population. It had not been previously curated by ICSL or reported in the Human Gene Mutation Database (HGMD: prior to June 1st, 2018), and was therefore a candidate for classification through an automated scoring system. Utilizing variant allele frequency, disease prevalence and penetrance estimates, and inheritance mode, an automated score was calculated to assess if this variant is too frequent to cause the disease. Based on the score and internal cut-off values, a variant classified as likely benign is not then subjected to further curation. The score for this variant resulted in a classification of likely benign for this disease.

Center for Pediatric Genomic Medicine, Children's Mercy Hospital and Clinics
Classification: Likely benign. Last evaluated: 2017-08-02. Review status: criteria provided, single submitter. Criteria: ACMG Guidelines, 2015. Collection method: clinical testing. Allele origin: germline.

Laboratory for Molecular Medicine, Mass General Brigham Personalized Medicine
Classification: Benign. Last evaluated: 2012-03-26. Review status: criteria provided, single submitter. Criteria: LMM Criteria. Collection method: clinical testing. Allele origin: germline. Observed: 23 variant alleles.
Comment: 10769+9A>G in intron 51 of GPR98: This variant is not expected to have clinical significance because it has been identified in 82/6550 (1.25%) European American chromosomes from a broad, though clinically unspecified population (NHLBI Exom e Sequencing Project; rs116184119).

PreventionGenetics, part of Exact Sciences
Classification: Benign. Review status: criteria provided, single submitter. Criteria: ACMG Guidelines, 2015. Collection method: clinical testing. Allele origin: germline.

Clinical Genetics DNA and cytogenetics Diagnostics Lab, Erasmus MC, Erasmus Medical Center
Classification: Benign. Review status: no assertion criteria provided. Collection method: clinical testing. Allele origin: germline. Affected: yes. Study: VKGL Data-share Consensus. Not counted in ClinVar's aggregate classification.

Clinical Genetics, Academic Medical Center
Classification: Benign. Review status: no assertion criteria provided. Collection method: clinical testing. Allele origin: germline. Affected: yes. Study: VKGL Data-share Consensus. Not counted in ClinVar's aggregate classification.

Diagnostic Laboratory, Department of Genetics, University Medical Center Groningen
Classification: Likely benign. Review status: no assertion criteria provided. Collection method: clinical testing. Allele origin: germline. Affected: yes. Study: VKGL Data-share Consensus. Not counted in ClinVar's aggregate classification.

Genome Diagnostics Laboratory, University Medical Center Utrecht
Classification: Benign. Review status: no assertion criteria provided. Collection method: clinical testing. Allele origin: germline. Affected: yes. Study: VKGL Data-share Consensus. Not counted in ClinVar's aggregate classification.